The following is an entry in ClinVar:

ClinVar aggregate classification (germline): Uncertain significance (1 of 4 stars; one submission).

Allele frequency attached by ClinVar (database versions not stated): gnomAD 0.00001; TOPMed 0.00001; 1000 Genomes Project 0.00040; 1000 Genomes Project 30x 0.00047.
gnomAD v4.1: 2 of 725,696 alleles (0.00028%); highest among the groups gnomAD compares: East Asian, 0.0054%; no homozygotes.

Submission:

Labcorp Genetics (formerly Invitae), Labcorp
Classification: Uncertain significance. Last evaluated: 2021-01-07. Review status: criteria provided, single submitter. Criteria: Invitae Variant Classification Sherloc (09022015). Collection method: clinical testing. Allele origin: germline.
Comment: This variant occurs in a non-coding region of the EYS gene. It does not change the encoded amino acid sequence of the EYS protein. The frequency data for this variant in the population databases is considered unreliable, as metrics indicate insufficient coverage at this position in the ExAC database. This variant has not been reported in the literature in individuals with EYS-related conditions. In summary, the available evidence is currently insufficient to determine the role of this variant in disease. Therefore, it has been classified as a Variant of Uncertain Significance.

NM_001142800.2(EYS):c.-148A>C

Gene: EYS (eyes shut homolog; minus strand). Cytogenetic location: 6q12.
Variant type: single nucleotide variant.
Coding change: c.-148A>C on transcript NM_001142800.2 (MANE Select); 148 bases upstream of the start codon, A replaced by C.
Molecular consequence: 5 prime UTR variant.
Genome position (GRCh38, 1-based): chr6:65,495,558, T>G on the plus strand (A>C on the coding strand, the complement: EYS is on the minus strand). VCF-style: chr6-65495558-T-G. GRCh37 (hg19) VCF-style: chr6-66205451-T-G.
Other names: c.-148A>C (NM_001142801.2, NM_001292009.2, NM_198283.2).
Identifiers: ClinVar variation 1429465 (VCV001429465.3), dbSNP rs532884833, ClinGen allele CA140435006.